The following is an entry in ClinVar:

ClinVar aggregate classification (germline): Uncertain significance (1 of 4 stars; one submission).

Submission:

Labcorp Genetics (formerly Invitae), Labcorp
Classification: Uncertain significance. Last evaluated: 2024-02-13. Review status: criteria provided, single submitter. Criteria: Invitae Variant Classification Sherloc (09022015). Collection method: clinical testing. Allele origin: germline.
Comment: This variant, c.983_991dup, results in the insertion of 3 amino acid(s) of the ARID1B protein (p.Gly328_Gly330dup), but otherwise preserves the integrity of the reading frame. The frequency data for this variant in the population databases is considered unreliable, as metrics indicate poor data quality at this position in the gnomAD database. This variant has not been reported in the literature in individuals affected with ARID1B-related conditions. Experimental studies and prediction algorithms are not available or were not evaluated, and the functional significance of this variant is currently unknown. In summary, the available evidence is currently insufficient to determine the role of this variant in disease. Therefore, it has been classified as a Variant of Uncertain Significance.

NM_001374828.1(ARID1B):c.1232_1240dup (p.Gly413_Ala414insGlyAlaGly)

Gene: ARID1B (AT-rich interaction domain 1B; plus strand). Cytogenetic location: 6q25.3.
Variant type: Duplication.
Coding change: c.1232_1240dup on transcript NM_001374828.1 (MANE Select); coding-DNA positions 1232 to 1240, 9 bases duplicated (GAGCAGGAG; older notation c.1232_1240dupGAGCAGGAG).
Protein change: p.Gly413_Ala414insGlyAlaGly.
Genome position (GRCh38, 1-based): chr6:156,778,912-156,778,920, GAGCAGGAG duplicated; duplicating any 9 consecutive bases within chr6:156,778,907-156,778,920 gives the same sequence; the c. name uses the placement nearest the transcript's 3' end. VCF-style (leftmost placement, unchanged base first): chr6-156778906-G-GAGGAGGAGC. GRCh37 (hg19) VCF-style: chr6-157100040-G-GAGGAGGAGC.
Other names: c.1232_1240dup, p.Gly413_Ala414insGlyAlaGly (NM_001371656.1, NM_001374820.1, NM_017519.3).
Identifiers: ClinVar variation 3666182 (VCV003666182.2).